The following is an entry in ClinVar:

ClinVar aggregate classification (germline): Uncertain significance (0 of 4 stars; one submission).

Conditions:
ANKH-related disorder. Also called: ANKH-Related Disorders; ANKH-related condition.

Allele frequency attached by ClinVar (database versions not stated): TOPMed below 0.00001.
gnomAD v4.1: 1 of 1,614,136 alleles (0.000062%); highest among the groups gnomAD compares: Admixed American, 0.0017%; no homozygotes.

Submission:

PreventionGenetics, part of Exact Sciences
Classification: Uncertain significance for ANKH-related condition. Last evaluated: 2023-11-26. Review status: no assertion criteria provided. Collection method: clinical testing. Allele origin: germline.
Comment: The ANKH c.649C>G variant is predicted to result in the amino acid substitution p.His217Asp. To our knowledge, this variant has not been reported in the literature or in a large population database, indicating this variant is rare. At this time, the clinical significance of this variant is uncertain due to the absence of conclusive functional and genetic evidence.

NM_054027.6(ANKH):c.649C>G (p.His217Asp)

Gene: ANKH (ANKH inorganic pyrophosphate transport regulator; minus strand). Cytogenetic location: 5p15.2.
Variant type: single nucleotide variant.
Coding change: c.649C>G on transcript NM_054027.6 (MANE Select); coding-DNA position 649, C replaced by G.
Protein change: p.His217Asp; replaces histidine 217 with aspartic acid.
Molecular consequence: missense variant.
Genome position (GRCh38, 1-based): chr5:14,751,107, G>C on the plus strand (C>G on the coding strand, the complement: ANKH is on the minus strand). VCF-style: chr5-14751107-G-C. GRCh37 (hg19) VCF-style: chr5-14751216-G-C.
Other names: short protein forms H217D.
Identifiers: ClinVar variation 3029519 (VCV003029519.2), dbSNP rs1221824378, ClinGen allele CA359248058.